The following is an entry in ClinVar:

NM_000245.4(MET):c.2078G>A (p.Gly693Asp)

Gene: MET (MET proto-oncogene, receptor tyrosine kinase; plus strand). Cytogenetic location: 7q31.2.
Variant type: single nucleotide variant.
Coding change: c.2078G>A on transcript NM_000245.4 (MANE Select); coding-DNA position 2078, G replaced by A.
Protein change: p.Gly693Asp; replaces glycine 693 with aspartic acid.
Molecular consequence: missense variant.
Genome position (GRCh38, 1-based): chr7:116,757,750, G>A. VCF-style: chr7-116757750-G-A. GRCh37 (hg19) VCF-style: chr7-116397804-G-A.
Other names: c.2078G>A, p.Gly693Asp (NM_001127500.3, NM_001324401.3); c.788G>A, p.Gly263Asp (NM_001324402.2); short protein forms G693D, G263D.
Identifiers: ClinVar variation 2968845 (VCV002968845.3), dbSNP rs2116924991, ClinGen allele CA368980118.
Genomic context (GRCh38, chr7:116,757,750, plus strand): 5'-CTTTACTTACTTTAACTGGAAATTACCTAAACAGTGGGAATTCTAGACACATTTCAATTG[G>A]TGGAAAAACATGTACTTTAAAAAGGTGTTGTAAATTTATTTTTTGTTGCATCTGTCAATT-3'
Protein context (NP_000236.2, residues 683-703): NSGNSRHISI[Gly693Asp]GKTCTLKSVS

ClinVar aggregate classification (germline): Uncertain significance (1 of 4 stars; one submission).

Conditions:
Renal cell carcinoma. Identifiers: Orphanet 217071, MedGen C0007134, MeSH D002292, MONDO:0005086, HP:0005584.

Submission:

Labcorp Genetics (formerly Invitae), Labcorp
Classification: Uncertain significance for Renal cell carcinoma. Last evaluated: 2026-01-16. Review status: criteria provided, single submitter. Criteria: Invitae Variant Classification Sherloc (09022015). Collection method: clinical testing. Allele origin: germline.
Comment: This sequence change replaces glycine, which is neutral and non-polar, with aspartic acid, which is acidic and polar, at codon 693 of the MET protein (p.Gly693Asp). This variant is not present in population databases (gnomAD no frequency). This variant has not been reported in the literature in individuals affected with MET-related conditions. ClinVar contains an entry for this variant (Variation ID: 2968845). Invitae Evidence Modeling of protein sequence and biophysical properties (such as structural, functional, and spatial information, amino acid conservation, physicochemical variation, residue mobility, and thermodynamic stability) indicates that this missense variant is not expected to disrupt MET protein function with a negative predictive value of 80%. In summary, the available evidence is currently insufficient to determine the role of this variant in disease. Therefore, it has been classified as a Variant of Uncertain Significance.